The following is an entry in ClinVar:

ClinVar aggregate classification (germline): Benign/Likely benign. Review status: criteria provided, multiple submitters, no conflicts (2 of 4 stars). 3 submissions from 3 submitters: Benign (1); Likely benign (2). Last evaluated 2024-11-06.

Conditions:
Dyskeratosis congenita, autosomal recessive 5 (DKCB5). Identifiers: MedGen C3554656, MONDO:0014076, OMIM 615190.
Pulmonary fibrosis and/or bone marrow failure, Telomere-related, 3. Also called: PULMONARY FIBROSIS AND/OR BONE MARROW FAILURE SYNDROME, TELOMERE-RELATED, 3. Identifiers: Orphanet 2032, MedGen C4225346, MONDO:0014613, OMIM 616373.

Allele frequency attached by ClinVar (database versions not stated): ESP Exome Variant Server 0.00039; gnomAD 0.00067 and 0.00068; TOPMed 0.00072; gnomAD exomes 0.00077 and 0.00107; ExAC 0.00104.
gnomAD v4.1: 1,667 of 1,598,016 alleles (0.1%); highest among the groups gnomAD compares: Non-Finnish European, 0.12%; 3 homozygotes.

Submissions (3):

Blueprint Genetics
Classification: Likely benign. Last evaluated: 2024-11-06. Review status: criteria provided, single submitter. Criteria: ACMG Guidelines, 2015. Collection method: clinical testing. Allele origin: germline.

Labcorp Genetics (formerly Invitae), Labcorp
Classification: Benign for Dyskeratosis congenita, autosomal recessive 5; Pulmonary fibrosis and/or bone marrow failure, Telomere-related, 3. Last evaluated: 2023-04-07. Review status: criteria provided, single submitter. Criteria: Invitae Variant Classification Sherloc (09022015). Collection method: clinical testing. Allele origin: germline.

Laboratory for Molecular Medicine, Mass General Brigham Personalized Medicine
Classification: Likely benign. Last evaluated: 2016-03-29. Review status: criteria provided, single submitter. Criteria: LMM Criteria. Collection method: clinical testing. Allele origin: germline.
Comment: Variant identified in a genome or exome case(s) and assessed due to predicted null impact of the variant or pathogenic assertions in the literature or databases. Disclaimer: This variant has not undergone full assessment. The following are preliminary notes: No change to splice consensus. Also, gene associated with Dyskeratosis congenita and Hoyeraal-Hreidarsson syndrome - not consistent with patient phenotype

NM_001283009.2(RTEL1):c.1349-14C>T

Genes: RTEL1 (regulator of telomere elongation helicase 1; plus strand), RTEL1-TNFRSF6B (RTEL1-TNFRSF6B readthrough (NMD candidate); plus strand). Cytogenetic location: 20q13.33.
Variant type: single nucleotide variant.
Coding change: c.1349-14C>T on transcript NM_001283009.2 (MANE Select); 14 bases into the intron before coding-DNA position 1349, C replaced by T.
Molecular consequence: intron variant.
Genome position (GRCh38, 1-based): chr20:63,687,624, C>T. VCF-style: chr20-63687624-C-T. GRCh37 (hg19) VCF-style: chr20-62318977-C-T.
Other names: c.680-14C>T (NM_001283010.1); c.1421-14C>T (NM_032957.5); c.1349-14C>T (NM_016434.4).
Identifiers: ClinVar variation 403405 (VCV000403405.8), dbSNP rs373301404, ClinGen allele CA9964773.
Genomic context (GRCh38, chr20:63,687,624, plus strand): 5'-GGCAGAGAGGCAGGTGGTCAGGCCCCCAGTCCCGTCCTCACACTCTGTGCCCTCTGCCGC[C>T]CCCCGCCCCACAGGGAAGGTGCTGAGCTACTGGTGCTTCAGTCCCGGCCACAGCATGCAC-3'